The following is an entry in ClinVar:

ClinVar aggregate classification (germline): Benign. Review status: criteria provided, single submitter (1 of 4 stars). 2 submissions from 2 submitters: Benign (1). 1 of the submissions does not count toward it. Last evaluated 2019-12-31.

Conditions:
DISC1-related disorder. Also called: DISC1-related condition.

Allele frequency attached by ClinVar (database versions not stated): gnomAD 0.00159; TOPMed 0.00181; 1000 Genomes Project 0.00419; 1000 Genomes Project 30x 0.00422.
gnomAD v4.1: 886 of 1,610,610 alleles (0.055%); highest among the groups gnomAD compares: East Asian, 1.6%; 8 homozygotes.

Submissions (2):

Labcorp Genetics (formerly Invitae), Labcorp
Classification: Benign. Last evaluated: 2019-12-31. Review status: criteria provided, single submitter. Criteria: Invitae Variant Classification Sherloc (09022015). Collection method: clinical testing. Allele origin: germline.

PreventionGenetics, part of Exact Sciences
Classification: Likely benign for DISC1-related condition. Last evaluated: 2024-08-17. Review status: no assertion criteria provided. Collection method: clinical testing. Allele origin: germline. Not counted in ClinVar's aggregate classification.
Comment: This variant is classified as likely benign based on ACMG/AMP sequence variant interpretation guidelines (Richards et al. 2015 PMID: 25741868, with internal and published modifications).

NM_018662.3(DISC1):c.1591G>C (p.Gly531Arg)

Genes: DISC1 (DISC1 scaffold protein; plus strand), TSNAX-DISC1 (TSNAX-DISC1 readthrough (NMD candidate); plus strand). Cytogenetic location: 1q42.2.
Variant type: single nucleotide variant.
Coding change: c.1591G>C on transcript NM_018662.3 (MANE Select); coding-DNA position 1591, G replaced by C.
Protein change: p.Gly531Arg; replaces glycine 531 with arginine.
Molecular consequence: missense variant. On other transcripts: non-coding transcript variant (6), intron variant (1).
Genome position (GRCh38, 1-based): chr1:231,771,027, G>C. VCF-style: chr1-231771027-G-C. GRCh37 (hg19) VCF-style: chr1-231906773-G-C.
Other names: c.1591G>C, p.Gly531Arg (NM_001012957.2, NM_001012959.2, NM_001164538.2 and 9 more transcripts); c.1687G>C, p.Gly563Arg (NM_001164537.2); c.541G>C, p.Gly181Arg (NM_001164556.2); c.1268+20951G>C (NM_001164540.2); short protein forms G563R, G181R, G531R.
Identifiers: ClinVar variation 719003 (VCV000719003.5), dbSNP rs56229136, ClinGen allele CA1453944.